The following is an entry in ClinVar:

NM_022455.5(NSD1):c.1769T>C (p.Leu590Ser)

Gene: NSD1 (nuclear receptor binding SET domain protein 1; plus strand). Cytogenetic location: 5q35.3.
Variant type: single nucleotide variant.
Coding change: c.1769T>C on transcript NM_022455.5 (MANE Select); coding-DNA position 1769, T replaced by C.
Protein change: p.Leu590Ser; replaces leucine 590 with serine.
Molecular consequence: missense variant.
Genome position (GRCh38, 1-based): chr5:177,210,168, T>C. VCF-style: chr5-177210168-T-C. GRCh37 (hg19) VCF-style: chr5-176637169-T-C.
Other names: c.896T>C, p.Leu299Ser (NM_001365684.2, NM_001409306.1, NM_001409307.1 and 3 more transcripts); c.1769T>C, p.Leu590Ser (NM_001409301.1, NM_001409302.1, NM_001409303.1); c.1349T>C, p.Leu450Ser (NM_001409304.1); c.1016T>C, p.Leu339Ser (NM_001409305.1); short protein forms L321S, L590S, L339S, L450S, L299S.
Identifiers: ClinVar variation 1702766 (VCV001702766.2), dbSNP rs1763219171, ClinGen allele CA362311240.

ClinVar aggregate classification (germline): Uncertain significance (1 of 4 stars; one submission).

Allele frequency attached by ClinVar (database versions not stated): gnomAD exomes below 0.00001; TOPMed below 0.00001.
gnomAD v4.1: 1 of 1,609,720 alleles (0.000062%); highest among the groups gnomAD compares: Non-Finnish European, 0.000085%; no homozygotes.

Submission:

GeneDx
Classification: Uncertain significance. Last evaluated: 2022-02-18. Review status: criteria provided, single submitter. Criteria: GeneDx Variant Classification Process June 2021. Collection method: clinical testing. Allele origin: germline. Affected: yes.
Comment: Not observed at significant frequency in large population cohorts (gnomAD); In silico analysis supports that this missense variant does not alter protein structure/function; Has not been previously published as pathogenic or benign to our knowledge